The following is an entry in ClinVar:

ClinVar aggregate classification (germline): Uncertain significance (1 of 4 stars; one submission).

gnomAD v4.1: 3 of 1,612,650 alleles (0.00019%); highest among the groups gnomAD compares: Admixed American, 0.0033%; no homozygotes.

Submission:

Labcorp Genetics (formerly Invitae), Labcorp
Classification: Uncertain significance. Last evaluated: 2025-02-04. Review status: criteria provided, single submitter. Criteria: Invitae Variant Classification Sherloc (09022015). Collection method: clinical testing. Allele origin: germline.
Comment: This sequence change replaces isoleucine, which is neutral and non-polar, with threonine, which is neutral and polar, at codon 240 of the CHRM2 protein (p.Ile240Thr). This variant is present in population databases (no rsID available, gnomAD 0.003%). This variant has not been reported in the literature in individuals affected with CHRM2-related conditions. An algorithm developed to predict the effect of missense changes on protein structure and function (PolyPhen-2) suggests that this variant is likely to be tolerated. In summary, the available evidence is currently insufficient to determine the role of this variant in disease. Therefore, it has been classified as a Variant of Uncertain Significance.

NM_001006630.2(CHRM2):c.719T>C (p.Ile240Thr)

Genes: CHRM2 (cholinergic receptor muscarinic 2; plus strand), LOC349160 (uncharacterized LOC349160; minus strand). Cytogenetic location: 7q33.
Variant type: single nucleotide variant.
Coding change: c.719T>C on transcript NM_001006630.2 (MANE Select); coding-DNA position 719, T replaced by C.
Protein change: p.Ile240Thr; replaces isoleucine 240 with threonine.
Molecular consequence: missense variant.
Genome position (GRCh38, 1-based): chr7:137,015,584, T>C. VCF-style: chr7-137015584-T-C. GRCh37 (hg19) VCF-style: chr7-136700331-T-C.
Other names: c.719T>C, p.Ile240Thr (NM_001006632.3, NM_001378972.1, NM_001378973.1 and 6 more transcripts); short protein forms I240T.
Identifiers: ClinVar variation 3692682 (VCV003692682.2).